The following is an entry in ClinVar:

ClinVar aggregate classification (germline): Uncertain significance. Review status: criteria provided, multiple submitters, no conflicts (2 of 4 stars). 2 submissions from 2 submitters: Uncertain significance (2). Last evaluated 2023-11-28.

Conditions:
Seizures, benign familial infantile, 3 (BFIS3). Also called: Familial neonatal seizures; CONVULSIONS, BENIGN FAMILIAL INFANTILE, 3. Identifiers: Orphanet 140927, Orphanet 306, MedGen C1843140, MONDO:0011904, OMIM 607745.
Developmental and epileptic encephalopathy, 11 (DEE11). Also called: Early infantile epileptic encephalopathy 11. Identifiers: Orphanet 1934, MedGen C3150987, MONDO:0013388, OMIM 613721.

Submissions (2):

Institute of Human Genetics, University of Leipzig Medical Center
Classification: Uncertain significance for Developmental and epileptic encephalopathy, 11. Last evaluated: 2023-11-28. Review status: criteria provided, single submitter. Criteria: ACMG Guidelines, 2015. Collection method: clinical testing. Allele origin: unknown. Inheritance: Autosomal dominant inheritance. Affected: yes.
Comment: Criteria applied: PM1,PM5_SUP,PS4_SUP,PM2_SUP

MGZ Medical Genetics Center
Classification: Uncertain significance for Seizures, benign familial infantile, 3. Last evaluated: 2021-08-12. Review status: criteria provided, single submitter. Criteria: ACMG Guidelines, 2015. Collection method: clinical testing. Allele origin: germline. Affected: yes. Observed: 1 variant allele.
Comment: ACMG criteria applied: PM2_SUP, PP3

NM_001040142.2(SCN2A):c.4713T>G (p.Ile1571Met)

Gene: SCN2A (sodium voltage-gated channel alpha subunit 2; plus strand). Cytogenetic location: 2q24.3.
Variant type: single nucleotide variant.
Coding change: c.4713T>G on transcript NM_001040142.2 (MANE Select); coding-DNA position 4713, T replaced by G.
Protein change: p.Ile1571Met; replaces isoleucine 1571 with methionine.
Molecular consequence: missense variant.
Genome position (GRCh38, 1-based): chr2:165,386,907, T>G. VCF-style: chr2-165386907-T-G. GRCh37 (hg19) VCF-style: chr2-166243417-T-G.
Other names: c.4713T>G, p.Ile1571Met (NM_001040143.2, NM_001371246.1, NM_001371247.1 and 1 more transcripts); short protein forms I1571M.
Identifiers: ClinVar variation 1709931 (VCV001709931.5), dbSNP rs2468149865, ClinGen allele CA349036597.